The following is an entry in ClinVar:

ClinVar aggregate classification (germline): Likely benign. Review status: criteria provided, multiple submitters, no conflicts (2 of 4 stars). 2 submissions from 2 submitters: Likely benign (2). Last evaluated 2025-07-14.

Conditions:
Primary dilated cardiomyopathy (DCM). Also called: Dilated Cardiomyopathy. Identifiers: Orphanet 217604, MedGen C0007193, MeSH D002311, MONDO:0005021, HP:0001644. Inheritance: Various modes of inheritance.

Allele frequency attached by ClinVar (database versions not stated): ExAC 0.00001; gnomAD 0.00001; gnomAD exomes 0.00001 and 0.00002; TOPMed 0.00003; ESP Exome Variant Server 0.00008.
gnomAD v4.1: 31 of 1,564,588 alleles (0.002%); highest among the groups gnomAD compares: Non-Finnish European, 0.0026%; no homozygotes.

Submissions (2):

Labcorp Genetics (formerly Invitae), Labcorp
Classification: Likely benign for Primary dilated cardiomyopathy. Last evaluated: 2025-07-14. Review status: criteria provided, single submitter. Criteria: Invitae Variant Classification Sherloc (09022015). Collection method: clinical testing. Allele origin: germline.

GeneDx
Classification: Likely benign. Last evaluated: 2017-12-07. Review status: criteria provided, single submitter. Criteria: GeneDx Variant Classification (06012015). Collection method: clinical testing. Allele origin: germline. Affected: yes.
Comment: This variant is considered likely benign or benign based on one or more of the following criteria: it is a conservative change, it occurs at a poorly conserved position in the protein, it is predicted to be benign by multiple in silico algorithms, and/or has population frequency not consistent with disease.

NM_006393.3(NEBL):c.2241+17A>G

Gene: NEBL (nebulette; minus strand). Cytogenetic location: 10p12.31.
Variant type: single nucleotide variant.
Coding change: c.2241+17A>G on transcript NM_006393.3 (MANE Select); 17 bases into the intron after coding-DNA position 2241, A replaced by G.
Molecular consequence: intron variant.
Genome position (GRCh38, 1-based): chr10:20,815,608, T>C on the plus strand (A>G on the coding strand, the complement: NEBL is on the minus strand). VCF-style: chr10-20815608-T-C. GRCh37 (hg19) VCF-style: chr10-21104537-T-C.
Other names: c.250-2668A>G (NM_001377326.1, NM_001377327.1, NM_001377328.1); c.358-2668A>G (NM_213569.2, NM_001173484.2, NM_001377322.1); c.301-2668A>G (NM_001377324.1); c.292-2668A>G (NM_001377325.1); c.310-2668A>G (NM_001377323.1).
Identifiers: ClinVar variation 513990 (VCV000513990.3), dbSNP rs368494211, ClinGen allele CA5432560.